The following is an entry in ClinVar:

NM_000211.5(ITGB2):c.182G>A (p.Arg61His)

Gene: ITGB2 (integrin subunit beta 2; minus strand). Cytogenetic location: 21q22.3.
Variant type: single nucleotide variant.
Coding change: c.182G>A on transcript NM_000211.5 (MANE Select); coding-DNA position 182, G replaced by A.
Protein change: p.Arg61His; replaces arginine 61 with histidine.
Molecular consequence: missense variant. On other transcripts: 5 prime UTR variant (1).
Genome position (GRCh38, 1-based): chr21:44,907,061, C>T on the plus strand (G>A on the coding strand, the complement: ITGB2 is on the minus strand). VCF-style: chr21-44907061-C-T. GRCh37 (hg19) VCF-style: chr21-46326976-C-T.
Other names: c.182G>A, p.Arg61His (NM_001127491.3); c.-26G>A (NM_001303238.2); short protein forms R61H.
Identifiers: ClinVar variation 1011700 (VCV001011700.8), dbSNP rs752119939, ClinGen allele CA10063302.

ClinVar aggregate classification (germline): Uncertain significance. Review status: criteria provided, multiple submitters, no conflicts (2 of 4 stars). 2 submissions from 2 submitters: Uncertain significance (2). Last evaluated 2026-04-09.

Conditions:
Leukocyte adhesion deficiency 1 (LAD1). Also called: LEUKOCYTE ADHESION DEFICIENCY, TYPE I; LAD 1; Lymphocyte function-associated antigen 1 immunodeficiency; LFA 1 immunodeficiency. Identifiers: Orphanet 2968, Orphanet 99842, MedGen C0398738, MONDO:0007293, OMIM 116920.

Allele frequency attached by ClinVar (database versions not stated): gnomAD exomes 0.00001; TOPMed 0.00001; gnomAD 0.00003; ExAC 0.00001.
gnomAD v4.1: 19 of 1,609,814 alleles (0.0012%); highest among the groups gnomAD compares: African/African-American, 0.0067%; no homozygotes.

Submissions (2):

Women's Health and Genetics/Laboratory Corporation of America, LabCorp
Classification: Uncertain significance. Last evaluated: 2026-04-09. Review status: criteria provided, single submitter. Criteria: LabCorp Variant Classification Summary - May 2015. Collection method: clinical testing. Allele origin: germline.
Comment: Variant summary: ITGB2 c.182G>A (p.Arg61His) results in a non-conservative amino acid change in the encoded protein sequence. Algorithms developed to predict the effect of missense changes on protein structure and function all suggest that this variant is likely to be disruptive. The variant allele was found at a frequency of 8e-06 in 250210 control chromosomes. The available data on variant occurrences in the general population are insufficient to allow any conclusion about variant significance. To our knowledge, no occurrence of c.182G>A in individuals affected with ITGB2-related conditions and no experimental evidence demonstrating its impact on protein function have been reported. ClinVar contains an entry for this variant (Variation ID: 1011700). Based on the evidence outlined above, the variant was classified as uncertain significance.

Labcorp Genetics (formerly Invitae), Labcorp
Classification: Uncertain significance for Leukocyte adhesion deficiency 1. Last evaluated: 2022-06-03. Review status: criteria provided, single submitter. Criteria: Invitae Variant Classification Sherloc (09022015). Collection method: clinical testing. Allele origin: germline.
Comment: This sequence change replaces arginine, which is basic and polar, with histidine, which is basic and polar, at codon 61 of the ITGB2 protein (p.Arg61His). This variant is present in population databases (rs752119939, gnomAD 0.008%). This variant has not been reported in the literature in individuals affected with ITGB2-related conditions. ClinVar contains an entry for this variant (Variation ID: 1011700). Algorithms developed to predict the effect of missense changes on protein structure and function (SIFT, PolyPhen-2, Align-GVGD) all suggest that this variant is likely to be disruptive. In summary, the available evidence is currently insufficient to determine the role of this variant in disease. Therefore, it has been classified as a Variant of Uncertain Significance.